The following is an entry in ClinVar:

ClinVar aggregate classification (germline): Uncertain significance (1 of 4 stars; one submission).

Conditions:
GNAS-related disorder. Identifiers: MedGen CN380105.

Submission:

PreventionGenetics, part of Exact Sciences
Classification: Uncertain significance for GNAS-related condition. Last evaluated: 2025-10-31. Review status: criteria provided, single submitter. Criteria: ACMG Guidelines, 2015. Collection method: clinical testing. Allele origin: germline.
Comment: The GNAS c.1721C>A variant is predicted to result in premature protein termination (p.Ser574*). This variant is pre-coding in the main transcript NM_000516: c.-36554C>A. This variant has been reported in an individual with primary ovarian insufficiency and reported as a variant of unknown significance (Table S7, Heddar et al. 2022. PubMed ID: 36099812). To our knowledge, this variant has not been reported in a large population database (gnomAD), indicating this variant is rare. At this time, the clinical significance of this variant is uncertain due to the absence of conclusive functional and genetic evidence.

NM_080425.4(GNAS):c.1908C>A (p.Val636=)

Gene: GNAS (GNAS complex locus; plus strand). Cytogenetic location: 20q13.32.
Variant type: single nucleotide variant.
Coding change: c.1908C>A on transcript NM_080425.4 (MANE Plus Clinical); coding-DNA position 1908, C replaced by A.
Protein change: p.Val636=; no amino-acid change (valine 636 retained).
Molecular consequence: synonymous variant. On other transcripts: nonsense (2), intron variant (3).
Genome position (GRCh38, 1-based): chr20:58,855,173, C>A. VCF-style: chr20-58855173-C-A. GRCh37 (hg19) VCF-style: chr20-57430228-C-A.
Other names: c.1721C>A, p.Ser574Ter (NM_001077490.3, NM_001309883.1); c.1908C>A, p.Val636= (NM_001410913.1); c.*42+14287C>A (NM_016592.5); c.43+14287C>A (NM_001410912.1); c.-39+13298C>A (NM_001309861.2); short protein forms S574*.
Identifiers: ClinVar variation 4994364 (VCV004994364.1).